The following is an entry in ClinVar:

ClinVar aggregate classification (germline): Uncertain significance (1 of 4 stars; one submission).

Conditions:
Intellectual developmental disorder, autosomal recessive 54. Also called: Intellectual disability, autosomal recessive 54. Identifiers: Orphanet 88616, MedGen C4310755, MONDO:0014876, OMIM 617028.

gnomAD v4.1: 1 of 1,608,350 alleles (0.000062%); highest among the groups gnomAD compares: Non-Finnish European, 0.000085%; no homozygotes.

Submission:

Dasa
Classification: Uncertain significance for Intellectual developmental disorder, autosomal recessive 54. Last evaluated: 2025-10-26. Review status: criteria provided, single submitter. Criteria: DASA Assertion Criteria. Collection method: clinical testing. Allele origin: germline.
Comment: NM_015028.4(TNIK):c.949+7C>A is a splice-region variant. This variant is rare in population databases. The currently available literature and clinical evidence are not sufficient to establish a definitive association between this variant and the reported condition. Therefore, this variant is classified as a variant of uncertain significance.

NM_015028.4(TNIK):c.949+7C>A

Gene: TNIK (TRAF2 and NCK interacting kinase; minus strand). Cytogenetic location: 3q26.2.
Variant type: single nucleotide variant.
Coding change: c.949+7C>A on transcript NM_015028.4 (MANE Select); 7 bases into the intron after coding-DNA position 949, C replaced by A.
Molecular consequence: intron variant.
Genome position (GRCh38, 1-based): chr3:171,167,088, G>T on the plus strand (C>A on the coding strand, the complement: TNIK is on the minus strand). VCF-style: chr3-171167088-G-T. GRCh37 (hg19) VCF-style: chr3-170884877-G-T.
Other names: c.949+7C>A (NM_001161562.3, NM_001161561.3, NM_001161564.3 and 4 more transcripts).
Identifiers: ClinVar variation 4882186 (VCV004882186.2).